The following is an entry in ClinVar:

ClinVar aggregate classification (germline): Uncertain significance (1 of 4 stars; one submission).

Conditions:
Maple syrup urine disease, mild variant (MSUDMV). Identifiers: Orphanet 511, MedGen C3554575, MONDO:0014057, OMIM 615135.

gnomAD v4.1: 1 of 1,614,086 alleles (0.000062%); no homozygotes.

Submission:

Labcorp Genetics (formerly Invitae), Labcorp
Classification: Uncertain significance for Maple syrup urine disease, mild variant. Last evaluated: 2025-09-13. Review status: criteria provided, single submitter. Criteria: Invitae Variant Classification Sherloc (09022015). Collection method: clinical testing. Allele origin: germline.
Comment: This sequence change replaces proline, which is neutral and non-polar, with leucine, which is neutral and non-polar, at codon 52 of the PPM1K protein (p.Pro52Leu). This variant is not present in population databases (gnomAD no frequency). This variant has not been reported in the literature in individuals affected with PPM1K-related conditions. ClinVar contains an entry for this variant (Variation ID: 3000993). An algorithm developed to predict the effect of missense changes on protein structure and function (PolyPhen-2) suggests that this variant is likely to be tolerated. In summary, the available evidence is currently insufficient to determine the role of this variant in disease. Therefore, it has been classified as a Variant of Uncertain Significance.

NM_152542.5(PPM1K):c.155C>T (p.Pro52Leu)

Gene: PPM1K (protein phosphatase, Mg2+/Mn2+ dependent 1K; minus strand). Cytogenetic location: 4q22.1.
Variant type: single nucleotide variant.
Coding change: c.155C>T on transcript NM_152542.5 (MANE Select); coding-DNA position 155, C replaced by T.
Protein change: p.Pro52Leu; replaces proline 52 with leucine.
Molecular consequence: missense variant.
Genome position (GRCh38, 1-based): chr4:88,278,429, G>A on the plus strand (C>T on the coding strand, the complement: PPM1K is on the minus strand). VCF-style: chr4-88278429-G-A. GRCh37 (hg19) VCF-style: chr4-89199581-G-A.
Other names: short protein forms P52L.
Identifiers: ClinVar variation 3000993 (VCV003000993.3), dbSNP rs367799357, ClinGen allele CA357708242.